The following is an entry in ClinVar:

ClinVar aggregate classification (germline): Uncertain significance. Review status: criteria provided, multiple submitters, no conflicts (2 of 4 stars). 4 submissions from 4 submitters: Uncertain significance (4). Last evaluated 2025-10-01.

Conditions:
Glaucoma 3, primary infantile, B. Also called: GLC3B; GLC3 type B; Primary congenital glaucoma type 3B; Glaucoma primary congenita type 3B; GLAUCOMA, PRIMARY CONGENITAL, TYPE B. Identifiers: Orphanet 98976, MedGen C1832977, MONDO:0010968, OMIM 600975.
Glaucoma 3, primary congenital, D. Identifiers: Orphanet 98976, MedGen C2751316, MONDO:0013122, OMIM 613086.
Weill-Marchesani syndrome 3 (WMS3). Also called: Weill-Marchesani syndrome 3, recessive; LTBP2-Related Weill-Marchesani Syndrome. Identifiers: Orphanet 3449, MedGen C3553785, MONDO:0013899, OMIM 614819.
Microspherophakia and/or megalocornea, with ectopia lentis and with or without secondary glaucoma (MSPKA). Identifiers: Orphanet 238763, MedGen C3538951, MONDO:0009633, OMIM 251750.
Inborn genetic diseases. Identifiers: MedGen C0950123, MeSH D030342.

Allele frequency attached by ClinVar (database versions not stated): ExAC 0.00002; gnomAD 0.00009 and 0.00010.
gnomAD v4.1: 25 of 1,613,756 alleles (0.0015%); highest among the groups gnomAD compares: African/African-American, 0.029%; no homozygotes.

Submissions (4):

Ambry Genetics
Classification: Uncertain significance for Inborn genetic diseases. Last evaluated: 2025-10-01. Review status: criteria provided, single submitter. Criteria: Ambry Variant Classification Scheme 2023. Collection method: clinical testing. Allele origin: germline.

GeneDx
Classification: Uncertain significance. Last evaluated: 2024-07-13. Review status: criteria provided, single submitter. Criteria: GeneDx Variant Classification Process June 2021. Collection method: clinical testing. Allele origin: germline. Affected: yes.
Comment: In silico analysis supports that this missense variant has a deleterious effect on protein structure/function; Has not been previously published as pathogenic or benign to our knowledge

Fulgent Genetics
Classification: Uncertain significance for Microspherophakia and/or megalocornea, with ectopia lentis and with or without secondary glaucoma; Glaucoma 3, primary infantile, B; Glaucoma 3, primary congenital, D; Weill-Marchesani syndrome 3. Last evaluated: 2021-11-12. Review status: criteria provided, single submitter. Criteria: ACMG Guidelines, 2015. Collection method: clinical testing. Allele origin: unknown.

Labcorp Genetics (formerly Invitae), Labcorp
Classification: Uncertain significance. Last evaluated: 2021-08-27. Review status: criteria provided, single submitter. Criteria: Invitae Variant Classification Sherloc (09022015). Collection method: clinical testing. Allele origin: germline.
Comment: This sequence change replaces threonine with isoleucine at codon 1591 of the LTBP2 protein (p.Thr1591Ile). The threonine residue is highly conserved and there is a moderate physicochemical difference between threonine and isoleucine. This variant is present in population databases (rs745626701, ExAC 0.02%). This variant has not been reported in the literature in individuals affected with LTBP2-related conditions. Algorithms developed to predict the effect of missense changes on protein structure and function (SIFT, PolyPhen-2, Align-GVGD) all suggest that this variant is likely to be disruptive. In summary, the available evidence is currently insufficient to determine the role of this variant in disease. Therefore, it has been classified as a Variant of Uncertain Significance.

NM_000428.3(LTBP2):c.4772C>T (p.Thr1591Ile)

Gene: LTBP2 (latent transforming growth factor beta binding protein 2; minus strand). Cytogenetic location: 14q24.3.
Variant type: single nucleotide variant.
Coding change: c.4772C>T on transcript NM_000428.3 (MANE Select); coding-DNA position 4772, C replaced by T.
Protein change: p.Thr1591Ile; replaces threonine 1591 with isoleucine.
Molecular consequence: missense variant.
Genome position (GRCh38, 1-based): chr14:74,503,335, G>A on the plus strand (C>T on the coding strand, the complement: LTBP2 is on the minus strand). VCF-style: chr14-74503335-G-A. GRCh37 (hg19) VCF-style: chr14-74970038-G-A.
Other names: c.4772C>T (NM_000428.2); short protein forms T1591I.
Identifiers: ClinVar variation 1503216 (VCV001503216.8), dbSNP rs745626701, ClinGen allele CA7268640.